The following is an entry in ClinVar:

ClinVar aggregate classification (germline): Conflicting classifications of pathogenicity. Review status: criteria provided, conflicting classifications (1 of 4 stars). 3 submissions from 3 submitters: Likely pathogenic (1); Uncertain significance (2). Last evaluated 2026-07-06.

Conditions:
Cardiovascular phenotype. Identifiers: MedGen CN230736.
Hereditary hemorrhagic telangiectasia (HHT). Also called: ORW DISEASE; Osler Weber Rendu syndrome; OSLER-RENDU-WEBER DISEASE; Osler hemorrhagic telangiectasia syndrome. Identifiers: Orphanet 774, MedGen C0039445, MONDO:0019180. Disease mechanism: loss of function.
Telangiectasia, hereditary hemorrhagic, type 1 (HHT1). Also called: Osler Weber Rendu syndrome type 1; ENG-Related Hereditary Hemorrhagic Telangiectasia. Identifiers: Orphanet 774, MedGen C4551861, MONDO:0008535, OMIM 187300. Disease mechanism: loss of function.

Submissions (3):

Ambry Genetics
Classification: Likely pathogenic for Cardiovascular phenotype. Last evaluated: 2026-07-06. Review status: criteria provided, single submitter. Criteria: Ambry Variant Classification Scheme 2023. Collection method: clinical testing. Allele origin: germline.
Comment: The p.Q562H variant (also known as c.1686G>C), located in coding exon 12 of the ENG gene, results from a G to C substitution at nucleotide position 1686. The glutamine at codon 562 is replaced by histidine, an amino acid with highly similar properties. However, this change occurs in the last base pair of coding exon 12, which makes it likely to have some effect on normal mRNA splicing. This variant was reported in individual(s) with features consistent with hereditary hemorrhagic telangiectasia (Ambry internal data; external communication). This variant is considered to be rare based on population cohorts in the Genome Aggregation Database (gnomAD). This nucleotide position is highly conserved in available vertebrate species. In silico splice site analysis for this alteration is inconclusive. This amino acid position is poorly conserved in available vertebrate species. In addition, as a missense substituion, this alteration is predicted to be tolerated by in silico analysis. Based on the majority of available evidence to date, this variant is likely to be pathogenic.

Labcorp Genetics (formerly Invitae), Labcorp
Classification: Uncertain significance for Hereditary hemorrhagic telangiectasia. Last evaluated: 2023-01-01. Review status: criteria provided, single submitter. Criteria: Invitae Variant Classification Sherloc (09022015). Collection method: clinical testing. Allele origin: germline.
Comment: This missense change has been observed in individual(s) with clinical features of hereditary hemorrhagic telangiectasia (Invitae). In summary, the available evidence is currently insufficient to determine the role of this variant in disease. Therefore, it has been classified as a Variant of Uncertain Significance. Variants that disrupt the consensus splice site are a relatively common cause of aberrant splicing (PMID: 17576681, 9536098). Algorithms developed to predict the effect of missense changes on protein structure and function are either unavailable or do not agree on the potential impact of this missense change (SIFT: "Tolerated"; PolyPhen-2: "Possibly Damaging"; Align-GVGD: "Class C0"). This variant is not present in population databases (gnomAD no frequency). This sequence change replaces glutamine, which is neutral and polar, with histidine, which is basic and polar, at codon 562 of the ENG protein (p.Gln562His). This variant also falls at the last nucleotide of exon 12, which is part of the consensus splice site for this exon.

Revvity Omics, Revvity
Classification: Uncertain significance for Telangiectasia, hereditary hemorrhagic, type 1. Last evaluated: 2022-10-11. Review status: criteria provided, single submitter. Criteria: ACMG Guidelines, 2015. Collection method: clinical testing. Allele origin: germline.

Literature cited by the submitters: PubMed 17576681 (cited by Labcorp Genetics (formerly Invitae), Labcorp); PubMed 9536098 (cited by Labcorp Genetics (formerly Invitae), Labcorp).

NM_001114753.3(ENG):c.1686G>C (p.Gln562His)

Genes: ENG (endoglin; minus strand), LOC102723566 (uncharacterized LOC102723566; plus strand). Cytogenetic location: 9q34.11.
Variant type: single nucleotide variant.
Coding change: c.1686G>C on transcript NM_001114753.3 (MANE Select); coding-DNA position 1686, G replaced by C.
Protein change: p.Gln562His; replaces glutamine 562 with histidine.
Molecular consequence: missense variant.
Genome position (GRCh38, 1-based): chr9:127,818,120, C>G on the plus strand (G>C on the coding strand, the complement: ENG is on the minus strand). VCF-style: chr9-127818120-C-G. GRCh37 (hg19) VCF-style: chr9-130580399-C-G.
Other names: c.1686G>C (NM_001114753.1); c.1686G>C, p.Gln562His (NM_000118.4); c.1140G>C, p.Gln380His (NM_001278138.2); short protein forms Q380H, Q562H.
Identifiers: ClinVar variation 2441222 (VCV002441222.7), dbSNP rs2539059068, ClinGen allele CA374973973.